The following is an entry in ClinVar:

ClinVar aggregate classification (germline): Uncertain significance (1 of 4 stars; one submission).

Submission:

Labcorp Genetics (formerly Invitae), Labcorp
Classification: Uncertain significance. Last evaluated: 2022-08-16. Review status: criteria provided, single submitter. Criteria: Invitae Variant Classification Sherloc (09022015). Collection method: clinical testing. Allele origin: germline.
Comment: ClinVar contains an entry for this variant (Variation ID: 1476704). This variant has not been reported in the literature in individuals affected with SBF1-related conditions. This variant is not present in population databases (gnomAD no frequency). This sequence change replaces proline, which is neutral and non-polar, with serine, which is neutral and polar, at codon 393 of the SBF1 protein (p.Pro393Ser). In summary, the available evidence is currently insufficient to determine the role of this variant in disease. Therefore, it has been classified as a Variant of Uncertain Significance. Algorithms developed to predict the effect of missense changes on protein structure and function (SIFT, PolyPhen-2, Align-GVGD) all suggest that this variant is likely to be tolerated.

NM_002972.4(SBF1):c.1177C>T (p.Pro393Ser)

Gene: SBF1 (SET binding factor 1; minus strand). Cytogenetic location: 22q13.33.
Variant type: single nucleotide variant.
Coding change: c.1177C>T on transcript NM_002972.4 (MANE Select); coding-DNA position 1177, C replaced by T.
Protein change: p.Pro393Ser; replaces proline 393 with serine.
Molecular consequence: missense variant.
Genome position (GRCh38, 1-based): chr22:50,465,241, G>A on the plus strand (C>T on the coding strand, the complement: SBF1 is on the minus strand). VCF-style: chr22-50465241-G-A. GRCh37 (hg19) VCF-style: chr22-50903670-G-A.
Other names: c.1180C>T, p.Pro394Ser (NM_001365819.1); short protein forms P394S, P393S.
Identifiers: ClinVar variation 1476704 (VCV001476704.8), dbSNP rs2148598596, ClinGen allele CA412218720.